The following is an entry in ClinVar:

NM_033118.4(MYLK2):c.1711-6C>T

Gene: MYLK2 (myosin light chain kinase 2; plus strand). Cytogenetic location: 20q11.21.
Variant type: single nucleotide variant.
Coding change: c.1711-6C>T on transcript NM_033118.4 (MANE Select); 6 bases into the intron before coding-DNA position 1711, C replaced by T.
Molecular consequence: intron variant.
Genome position (GRCh38, 1-based): chr20:31,833,711, C>T. VCF-style: chr20-31833711-C-T. GRCh37 (hg19) VCF-style: chr20-30421514-C-T.
Identifiers: ClinVar variation 177964 (VCV000177964.18), dbSNP rs76603530, ClinGen allele CA181083.
Genomic context (GRCh38, chr20:31,833,711, plus strand): 5'-TCAGACACCCTGCAGCTGCCCCCCTGCCCTGGTGTTGACTGGGACTCCCTCTCTTCTGCC[C>T]TCTAGAAAAACTTCATTGCTGTCAGCGCTGCCAACCGCTTCAAGAAGATCAGCAGCTCGG-3'

ClinVar aggregate classification (germline): Benign. Review status: criteria provided, multiple submitters, no conflicts (2 of 4 stars). 5 submissions from 5 submitters: Benign (4). 1 of the submissions does not count toward it. Last evaluated 2026-01-25.

Conditions:
MYLK2-related disorder. Also called: MYLK2-related condition.
Cardiomyopathy (CMYO). Also called: Cardiomyopathies. Identifiers: Orphanet 167848, MedGen C0878544, MONDO:0004994, HP:0001638. Inheritance: Various modes of inheritance.
Hypertrophic cardiomyopathy 1 (CMH1). Also called: Familial hypertrophic cardiomyopathy 1; MYH7-Related Familial Hypertrophic Cardiomyopathy. Identifiers: MedGen C3495498, MONDO:0008647, OMIM 192600.

Allele frequency attached by ClinVar (database versions not stated): gnomAD exomes 0.00089; ExAC 0.00114; gnomAD 0.00340 and 0.00376; TOPMed 0.00393; 1000 Genomes Project 30x 0.00344; ESP Exome Variant Server 0.00354; 1000 Genomes Project 0.00319.

Submissions (5):

Labcorp Genetics (formerly Invitae), Labcorp
Classification: Benign for Hypertrophic cardiomyopathy 1. Last evaluated: 2026-01-25. Review status: criteria provided, single submitter. Criteria: Invitae Variant Classification Sherloc (09022015). Collection method: clinical testing. Allele origin: germline.

CHEO Genetics Diagnostic Laboratory, Children's Hospital of Eastern Ontario
Classification: Benign for Cardiomyopathy. Last evaluated: 2016-02-05. Review status: criteria provided, single submitter. Criteria: ACMG Guidelines, 2015. Collection method: clinical testing. Allele origin: germline. Study: Canadian Open Genetics Repository.

GeneDx
Classification: Benign. Last evaluated: 2014-05-06. Review status: criteria provided, single submitter. Criteria: GeneDx Variant Classification (06012015). Collection method: clinical testing. Allele origin: germline. Affected: yes.
Comment: This variant is considered likely benign or benign based on one or more of the following criteria: it is a conservative change, it occurs at a poorly conserved position in the protein, it is predicted to be benign by multiple in silico algorithms, and/or has population frequency not consistent with disease.

Laboratory for Molecular Medicine, Mass General Brigham Personalized Medicine
Classification: Benign. Last evaluated: 2013-07-17. Review status: criteria provided, single submitter. Criteria: LMM Criteria. Collection method: clinical testing. Allele origin: germline. Observed: 8 variant alleles.
Comment: 1.0% (46/4406) from ESP African-American population frequency

PreventionGenetics, part of Exact Sciences
Classification: Benign for MYLK2-related condition. Last evaluated: 2019-09-18. Review status: no assertion criteria provided. Collection method: clinical testing. Allele origin: germline. Not counted in ClinVar's aggregate classification.
Comment: This variant is classified as benign based on ACMG/AMP sequence variant interpretation guidelines (Richards et al. 2015 PMID: 25741868, with internal and published modifications).